The following is an entry in ClinVar:

NM_004304.5(ALK):c.4745T>C (p.Val1582Ala)

Gene: ALK (ALK receptor tyrosine kinase; minus strand). Cytogenetic location: 2p23.2.
Variant type: single nucleotide variant.
Coding change: c.4745T>C on transcript NM_004304.5 (MANE Select); coding-DNA position 4745, T replaced by C.
Protein change: p.Val1582Ala; replaces valine 1582 with alanine.
Molecular consequence: missense variant.
Genome position (GRCh38, 1-based): chr2:29,193,342, A>G on the plus strand (T>C on the coding strand, the complement: ALK is on the minus strand). VCF-style: chr2-29193342-A-G. GRCh37 (hg19) VCF-style: chr2-29416208-A-G.
Other names: c.1541T>C, p.Val514Ala (NM_001353765.2); short protein forms V1582A, V514A.
Identifiers: ClinVar variation 1482247 (VCV001482247.10), dbSNP rs2148137261, ClinGen allele CA346460335.

ClinVar aggregate classification (germline): Uncertain significance. Review status: criteria provided, multiple submitters, no conflicts (2 of 4 stars). 2 submissions from 2 submitters: Uncertain significance (2). Last evaluated 2022-08-22.

Conditions:
Neuroblastoma, susceptibility to, 3. Also called: ALK-Related Neuroblastic Tumor Susceptibility. Identifiers: Orphanet 635, MedGen C2751681, MONDO:0013083, OMIM 613014.
Hereditary cancer-predisposing syndrome. Also called: Hereditary neoplastic syndrome; Tumor predisposition; Neoplastic Syndromes, Hereditary; Hereditary Cancer Syndrome. Identifiers: Orphanet 140162, MedGen C0027672, MeSH D009386, MONDO:0015356.

gnomAD v4.1: 1 of 1,614,196 alleles (0.000062%); highest among the groups gnomAD compares: South Asian, 0.0011%; no homozygotes.

Submissions (2):

Ambry Genetics
Classification: Uncertain significance for Hereditary cancer-predisposing syndrome. Last evaluated: 2022-08-22. Review status: criteria provided, single submitter. Criteria: Ambry Variant Classification Scheme 2023. Collection method: clinical testing. Allele origin: germline.
Comment: The p.V1582A variant (also known as c.4745T>C), located in coding exon 29 of the ALK gene, results from a T to C substitution at nucleotide position 4745. The valine at codon 1582 is replaced by alanine, an amino acid with similar properties. This amino acid position is conserved. In addition, this alteration is predicted to be tolerated by in silico analysis. Since supporting evidence is limited at this time, the clinical significance of this alteration remains unclear.

Labcorp Genetics (formerly Invitae), Labcorp
Classification: Uncertain significance for Neuroblastoma, susceptibility to, 3. Last evaluated: 2022-05-18. Review status: criteria provided, single submitter. Criteria: Invitae Variant Classification Sherloc (09022015). Collection method: clinical testing. Allele origin: germline.
Comment: In summary, the available evidence is currently insufficient to determine the role of this variant in disease. Therefore, it has been classified as a Variant of Uncertain Significance. This sequence change replaces valine, which is neutral and non-polar, with alanine, which is neutral and non-polar, at codon 1582 of the ALK protein (p.Val1582Ala). Algorithms developed to predict the effect of missense changes on protein structure and function (SIFT, PolyPhen-2, Align-GVGD) all suggest that this variant is likely to be disruptive. This variant has not been reported in the literature in individuals affected with ALK-related conditions. This variant is not present in population databases (gnomAD no frequency).